The following is an entry in ClinVar:

ClinVar aggregate classification (germline): Likely pathogenic (1 of 4 stars; one submission).

Conditions:
Hereditary angioedema type 1 (HAE1). Identifiers: Orphanet 100050, Orphanet 100051, Orphanet 91378, MedGen C2717906, MONDO:0015053, OMIM 106100.

Submission:

DNA-diagnostics Laboratory, Research Centre For Medical Genetics
Classification: Likely pathogenic for Hereditary angioedema type 1. Last evaluated: 2024-07-07. Review status: criteria provided, single submitter. Criteria: ACMG Guidelines, 2015. Collection method: research. Allele origin: germline. Inheritance: Autosomal dominant inheritance. Affected: yes. Observed: 1 heterozygote.
Comment: The c.808A>C variant in SERPING1 meets ACMG/ClinGen SVI guidance criteria to be classified as likely pathogenic: PP4_Str, PP2, PP3

NM_000062.3(SERPING1):c.808A>C (p.Thr270Pro)

Gene: SERPING1 (serpin family G member 1; plus strand). Cytogenetic location: 11q12.1.
Variant type: single nucleotide variant.
Coding change: c.808A>C on transcript NM_000062.3 (MANE Select); coding-DNA position 808, A replaced by C.
Protein change: p.Thr270Pro; replaces threonine 270 with proline.
Molecular consequence: missense variant.
Genome position (GRCh38, 1-based): chr11:57,606,132, A>C. VCF-style: chr11-57606132-A-C. GRCh37 (hg19) VCF-style: chr11-57373605-A-C.
Other names: c.808A>C, p.Thr270Pro (NM_001032295.2); short protein forms T270P.
Identifiers: ClinVar variation 3252010 (VCV003252010.2), dbSNP rs1590826505.